The following is an entry in ClinVar:

NM_198576.4(AGRN):c.5622T>A (p.Phe1874Leu)

Gene: AGRN (agrin; plus strand). Cytogenetic location: 1p36.33.
Variant type: single nucleotide variant.
Coding change: c.5622T>A on transcript NM_198576.4 (MANE Select); coding-DNA position 5622, T replaced by A.
Protein change: p.Phe1874Leu; replaces phenylalanine 1874 with leucine.
Molecular consequence: missense variant.
Genome position (GRCh38, 1-based): chr1:1,051,786, T>A. VCF-style: chr1-1051786-T-A. GRCh37 (hg19) VCF-style: chr1-987166-T-A.
Other names: c.5634T>A, p.Phe1878Leu (NM_001305275.2); c.5319T>A, p.Phe1773Leu (NM_001364727.2); short protein forms F1874L, F1773L, F1878L.
Identifiers: ClinVar variation 968319 (VCV000968319.9), dbSNP rs1645300315, ClinGen allele CA337782673.

ClinVar aggregate classification (germline): Uncertain significance (1 of 4 stars; one submission).

Conditions:
Congenital myasthenic syndrome 8. Also called: MYASTHENIC SYNDROME, CONGENITAL, DUE TO AGRIN DEFICIENCY; Myasthenic syndrome, congenital, 8, with pre- and postsynaptic defects. Identifiers: Orphanet 590, MedGen C3808739, MONDO:0014052, OMIM 615120.

Submission:

Labcorp Genetics (formerly Invitae), Labcorp
Classification: Uncertain significance for Congenital myasthenic syndrome 8. Last evaluated: 2019-11-15. Review status: criteria provided, single submitter. Criteria: Invitae Variant Classification Sherloc (09022015). Collection method: clinical testing. Allele origin: germline.
Comment: In summary, the available evidence is currently insufficient to determine the role of this variant in disease. Therefore, it has been classified as a Variant of Uncertain Significance. Algorithms developed to predict the effect of sequence changes on RNA splicing suggest that this variant may create or strengthen a splice site, but this prediction has not been confirmed by published transcriptional studies. Algorithms developed to predict the effect of missense changes on protein structure and function (SIFT, PolyPhen-2, Align-GVGD) all suggest that this variant is likely to be tolerated, but these predictions have not been confirmed by published functional studies and their clinical significance is uncertain. This variant has not been reported in the literature in individuals with AGRN-related conditions. This variant is not present in population databases (ExAC no frequency). This sequence change replaces phenylalanine with leucine at codon 1874 of the AGRN protein (p.Phe1874Leu). The phenylalanine residue is weakly conserved and there is a small physicochemical difference between phenylalanine and leucine.